The following is an entry in ClinVar:

ClinVar aggregate classification (germline): Uncertain significance (1 of 4 stars; one submission).

Allele frequency attached by ClinVar (database versions not stated): gnomAD exomes below 0.00001; TOPMed 0.00001.
gnomAD v4.1: 1 of 1,614,028 alleles (0.000062%); highest among the groups gnomAD compares: Non-Finnish European, 0.000085%; no homozygotes.

Submission:

Labcorp Genetics (formerly Invitae), Labcorp
Classification: Uncertain significance. Last evaluated: 2022-07-10. Review status: criteria provided, single submitter. Criteria: Invitae Variant Classification Sherloc (09022015). Collection method: clinical testing. Allele origin: germline.
Comment: This sequence change replaces alanine, which is neutral and non-polar, with threonine, which is neutral and polar, at codon 214 of the LIFR protein (p.Ala214Thr). This variant is not present in population databases (gnomAD no frequency). This variant has not been reported in the literature in individuals affected with LIFR-related conditions. Algorithms developed to predict the effect of missense changes on protein structure and function output the following: SIFT: "Tolerated"; PolyPhen-2: "Benign"; Align-GVGD: "Class C0". The threonine amino acid residue is found in multiple mammalian species, which suggests that this missense change does not adversely affect protein function. In summary, the available evidence is currently insufficient to determine the role of this variant in disease. Therefore, it has been classified as a Variant of Uncertain Significance.

NM_001127671.2(LIFR):c.640G>A (p.Ala214Thr)

Gene: LIFR (LIF receptor subunit alpha; minus strand). Cytogenetic location: 5p13.1.
Variant type: single nucleotide variant.
Coding change: c.640G>A on transcript NM_001127671.2 (MANE Select); coding-DNA position 640, G replaced by A.
Protein change: p.Ala214Thr; replaces alanine 214 with threonine.
Molecular consequence: missense variant.
Genome position (GRCh38, 1-based): chr5:38,511,886, C>T on the plus strand (G>A on the coding strand, the complement: LIFR is on the minus strand). VCF-style: chr5-38511886-C-T. GRCh37 (hg19) VCF-style: chr5-38511988-C-T.
Other names: c.640G>A, p.Ala214Thr (NM_001364297.2, NM_001364298.2, NM_002310.6); short protein forms A214T.
Identifiers: ClinVar variation 2061771 (VCV002061771.1), dbSNP rs1202406349, ClinGen allele CA359547819.
Genomic context (GRCh38, chr5:38,511,886, plus strand): 5'-CTTCGAGACCAGAAAAATGAAGATTGTCAATGTAGCATCTAATTTCCACAAAATGAATGG[C>T]ACATTCCAAGGGCATATCTGAGGCCCAACTCCAGTGATGAAGTGTATCTTTGCCATTCAG-3'
Protein context (NP_001121143.1, residues 204-224): SWASDMPLEC[Ala214Thr]IHFVEIRCYI